The following is an entry in ClinVar:

NM_001160372.4(TRAPPC9):c.806G>A (p.Arg269Gln)

Gene: TRAPPC9 (trafficking protein particle complex subunit 9; minus strand). Cytogenetic location: 8q24.3.
Variant type: single nucleotide variant.
Coding change: c.806G>A on transcript NM_001160372.4 (MANE Select); coding-DNA position 806, G replaced by A.
Protein change: p.Arg269Gln; replaces arginine 269 with glutamine.
Molecular consequence: missense variant. On other transcripts: non-coding transcript variant (1).
Genome position (GRCh38, 1-based): chr8:140,435,165, C>T on the plus strand (G>A on the coding strand, the complement: TRAPPC9 is on the minus strand). VCF-style: chr8-140435165-C-T. GRCh37 (hg19) VCF-style: chr8-141445264-C-T.
Other names: c.806G>A, p.Arg269Gln (NM_001321646.2, NM_001374683.1, NM_001374684.1 and 1 more transcripts); c.827G>A, p.Arg276Gln (NM_001374682.1); c.1100G>A (NM_031466.5); short protein forms R269Q, R276Q.
Identifiers: ClinVar variation 1907678 (VCV001907678.4), dbSNP rs1161800974, ClinGen allele CA372317318.

ClinVar aggregate classification (germline): Uncertain significance. Review status: criteria provided, multiple submitters, no conflicts (2 of 4 stars). 2 submissions from 2 submitters: Uncertain significance (2). Last evaluated 2025-05-26.

Conditions:
Inborn genetic diseases. Identifiers: MedGen C0950123, MeSH D030342.

Allele frequency attached by ClinVar (database versions not stated): gnomAD 0.00001; gnomAD exomes below 0.00001.
gnomAD v4.1: 2 of 1,613,880 alleles (0.00012%); highest among the groups gnomAD compares: Admixed American, 0.0017%; no homozygotes.

Submissions (2):

Ambry Genetics
Classification: Uncertain significance for Inborn genetic diseases. Last evaluated: 2025-05-26. Review status: criteria provided, single submitter. Criteria: Ambry Variant Classification Scheme 2023. Collection method: clinical testing. Allele origin: germline.

Labcorp Genetics (formerly Invitae), Labcorp
Classification: Uncertain significance. Last evaluated: 2022-04-28. Review status: criteria provided, single submitter. Criteria: Invitae Variant Classification Sherloc (09022015). Collection method: clinical testing. Allele origin: germline.
Comment: This sequence change replaces arginine, which is basic and polar, with glutamine, which is neutral and polar, at codon 367 of the TRAPPC9 protein (p.Arg367Gln). This variant is not present in population databases (gnomAD no frequency). This variant has not been reported in the literature in individuals affected with TRAPPC9-related conditions. Algorithms developed to predict the effect of missense changes on protein structure and function are either unavailable or do not agree on the potential impact of this missense change (SIFT: "Not Available"; PolyPhen-2: "Probably Damaging"; Align-GVGD: "Not Available"). In summary, the available evidence is currently insufficient to determine the role of this variant in disease. Therefore, it has been classified as a Variant of Uncertain Significance.